The following is an entry in ClinVar:

NM_001349884.2(DRAM2):c.125A>T (p.Tyr42Phe)

Gene: DRAM2 (DNA damage regulated autophagy modulator 2; minus strand). Cytogenetic location: 1p13.3.
Variant type: single nucleotide variant.
Coding change: c.125A>T on transcript NM_001349884.2 (MANE Select); coding-DNA position 125, A replaced by T.
Protein change: p.Tyr42Phe; replaces tyrosine 42 with phenylalanine.
Molecular consequence: missense variant. On other transcripts: 5 prime UTR variant (8), non-coding transcript variant (8).
Genome position (GRCh38, 1-based): chr1:111,131,430, T>A on the plus strand (A>T on the coding strand, the complement: DRAM2 is on the minus strand). VCF-style: chr1-111131430-T-A. GRCh37 (hg19) VCF-style: chr1-111674052-T-A.
Other names: c.125A>T, p.Tyr42Phe (NM_001349881.2, NM_001349882.2, NM_001349885.2 and 1 more transcripts); c.-34A>T (NM_001349886.2, NM_001349887.2, NM_001349888.2); c.-126A>T (NM_001349889.2, NM_001349890.2, NM_001349892.2 and 1 more transcripts); c.-294A>T (NM_001349891.2); short protein forms Y42F.
Identifiers: ClinVar variation 1417609 (VCV001417609.6), dbSNP rs763055636, ClinGen allele CA1001948.

ClinVar aggregate classification (germline): Uncertain significance (1 of 4 stars; one submission).

Submission:

Labcorp Genetics (formerly Invitae), Labcorp
Classification: Uncertain significance. Last evaluated: 2021-11-30. Review status: criteria provided, single submitter. Criteria: Invitae Variant Classification Sherloc (09022015). Collection method: clinical testing. Allele origin: germline.
Comment: This sequence change replaces tyrosine, which is neutral and polar, with phenylalanine, which is neutral and non-polar, at codon 42 of the DRAM2 protein (p.Tyr42Phe). This variant is present in population databases (rs763055636, gnomAD 0.0009%). This variant has not been reported in the literature in individuals affected with DRAM2-related conditions. Algorithms developed to predict the effect of missense changes on protein structure and function are either unavailable or do not agree on the potential impact of this missense change (SIFT: "Deleterious"; PolyPhen-2: "Probably Damaging"; Align-GVGD: "Class C15"). In summary, the available evidence is currently insufficient to determine the role of this variant in disease. Therefore, it has been classified as a Variant of Uncertain Significance.